The following is an entry in ClinVar:

ClinVar aggregate classification (germline): Uncertain significance (1 of 4 stars; one submission).

Conditions:
Emery-Dreifuss muscular dystrophy 4, autosomal dominant (EDMD4). Also called: EMERY-DREIFUSS MUSCULAR DYSTROPHY 4 WITH VARIABLE FEATURES. Identifiers: Orphanet 261, MedGen C2751807, MONDO:0013071, OMIM 612998.
Autosomal recessive ataxia, Beauce type. Also called: SYNE1-Related Autosomal Recessive Cerebellar Ataxia; Spinocerebellar ataxia, autosomal recessive 8; ATAXIA, RECESSIVE, OF BEAUCE; SYNE1 Deficiency. Identifiers: Orphanet 88644, MedGen C1853116, MONDO:0012549, OMIM 610743.

Allele frequency attached by ClinVar (database versions not stated): gnomAD exomes below 0.00001; ExAC 0.00001; gnomAD 0.00001.
gnomAD v4.1: 6 of 1,613,996 alleles (0.00037%); highest among the groups gnomAD compares: South Asian, 0.0022%; no homozygotes.

Submission:

Labcorp Genetics (formerly Invitae), Labcorp
Classification: Uncertain significance for Emery-Dreifuss muscular dystrophy 4, autosomal dominant; Autosomal recessive ataxia, Beauce type. Last evaluated: 2021-08-30. Review status: criteria provided, single submitter. Criteria: Invitae Variant Classification Sherloc (09022015). Collection method: clinical testing. Allele origin: germline.
Comment: This sequence change falls in intron 26 of the SYNE1 gene. It does not directly change the encoded amino acid sequence of the SYNE1 protein. It affects a nucleotide within the consensus splice site of the intron. In summary, the available evidence is currently insufficient to determine the role of this variant in disease. Therefore, it has been classified as a Variant of Uncertain Significance. Variants that disrupt the consensus splice site are a relatively common cause of aberrant splicing (PMID: 17576681, 9536098). Algorithms developed to predict the effect of sequence changes on RNA splicing suggest that this variant may disrupt the consensus splice site. This variant has not been reported in the literature in individuals affected with SYNE1-related conditions. This variant is present in population databases (rs778578295, ExAC 0.006%).

Literature cited by the submitters: PubMed 17576681; PubMed 9536098.

NM_182961.4(SYNE1):c.3186+5G>A

Gene: SYNE1 (spectrin repeat containing nuclear envelope protein 1; minus strand). Cytogenetic location: 6q25.2.
Variant type: single nucleotide variant.
Coding change: c.3186+5G>A on transcript NM_182961.4 (MANE Select); 5 bases into the intron after coding-DNA position 3186, G replaced by A.
Molecular consequence: intron variant.
Genome position (GRCh38, 1-based): chr6:152,451,042, C>T on the plus strand (G>A on the coding strand, the complement: SYNE1 is on the minus strand). VCF-style: chr6-152451042-C-T. GRCh37 (hg19) VCF-style: chr6-152772177-C-T.
Other names: c.3207+5G>A (NM_033071.5).
Identifiers: ClinVar variation 1378635 (VCV001378635.6), dbSNP rs778578295, ClinGen allele CA4058905.